The following is an entry in ClinVar:

ClinVar aggregate classification (germline): Likely benign (1 of 4 stars; one submission).

Allele frequency attached by ClinVar (database versions not stated): ESP Exome Variant Server 0.00920; TOPMed 0.02509; 1000 Genomes Project 30x 0.05700; 1000 Genomes Project 0.05851.
gnomAD v4.1: 22,073 of 1,395,248 alleles (1.6%); highest among the groups gnomAD compares: East Asian, 15%; 896 homozygotes.

Submission:

GeneDx
Classification: Likely benign. Last evaluated: 2021-05-21. Review status: criteria provided, single submitter. Criteria: GeneDx Variant Classification Process June 2021. Collection method: clinical testing. Allele origin: germline. Affected: yes.
Comment: See Variant Classification Assertion Criteria.

NM_017947.4(MOCOS):c.2039+61G>A

Gene: MOCOS (molybdenum cofactor sulfurase; plus strand). Cytogenetic location: 18q12.2.
Variant type: single nucleotide variant.
Coding change: c.2039+61G>A on transcript NM_017947.4 (MANE Select); 61 bases into the intron after coding-DNA position 2039, G replaced by A.
Molecular consequence: intron variant.
Genome position (GRCh38, 1-based): chr18:36,249,061, G>A. VCF-style: chr18-36249061-G-A. GRCh37 (hg19) VCF-style: chr18-33829024-G-A.
Identifiers: ClinVar variation 1706821 (VCV001706821.2), dbSNP rs78556624, ClinGen allele CA298692475.